The following is an entry in ClinVar:

ClinVar aggregate classification (germline): Uncertain significance (1 of 4 stars; one submission).

Conditions:
3MC syndrome 2. Also called: OCULO-SKELETAL-ABDOMINAL SYNDROME; OSA SYNDROME; PTOSIS OF EYELIDS WITH DIASTASIS RECTI AND HIP DYSPLASIA. Identifiers: Orphanet 293843, MedGen C0796279, MONDO:0009927, OMIM 265050.

Allele frequency attached by ClinVar (database versions not stated): ExAC 0.00001; gnomAD 0.00003; TOPMed 0.00003; gnomAD exomes 0.00006.
gnomAD v4.1: 90 of 1,613,636 alleles (0.0056%); highest among the groups gnomAD compares: Middle Eastern, 0.017%; no homozygotes.

Submission:

Neuberg Centre For Genomic Medicine, NCGM
Classification: Uncertain significance for 3MC syndrome 2. Review status: criteria provided, single submitter. Criteria: ACMG Guidelines, 2015. Collection method: clinical testing. Allele origin: germline. Inheritance: Autosomal recessive inheritance. Affected: yes.
Comment: The missense variant c.482G>A (p.Arg161His) in COLEC11 gene has not been reported previously as a pathogenic variant nor as a benign variant, to our knowledge. The p.Arg161His variant is novel (not in any individuals) in 1000 Genomes and allele frequency of 0.002485% is reported in gnomAD. The amino acid Arg at position 161 is changed to a His changing protein sequence and it might alter its composition and physico-chemical properties. The variant is predicted to be damaging by both SIFT and PolyPhen2. The residue is conserved across species. The amino acid change p.Arg161His in COLEC11 is predicted as conserved by GERP++ and PhyloP across 100 vertebrates. For these reasons, this variant has been classified as Uncertain Significance .

NM_024027.5(COLEC11):c.440G>A (p.Arg147His)

Gene: COLEC11 (collectin subfamily member 11; plus strand). Cytogenetic location: 2p25.3.
Variant type: single nucleotide variant.
Coding change: c.440G>A on transcript NM_024027.5 (MANE Select); coding-DNA position 440, G replaced by A.
Protein change: p.Arg147His; replaces arginine 147 with histidine.
Molecular consequence: missense variant. On other transcripts: non-coding transcript variant (1).
Genome position (GRCh38, 1-based): chr2:3,643,742, G>A. VCF-style: chr2-3643742-G-A. GRCh37 (hg19) VCF-style: chr2-3691332-G-A.
Other names: c.368G>A, p.Arg123His (NM_001255982.2, NM_001255983.2); c.296G>A, p.Arg99His (NM_001255984.2); c.482G>A, p.Arg161His (NM_001255985.1); c.362G>A, p.Arg121His (NM_001255986.1); c.290G>A, p.Arg97His (NM_001255987.1, NM_001255988.1); c.218G>A, p.Arg73His (NM_001255989.1); c.431G>A, p.Arg144His (NM_199235.3); short protein forms R73H, R147H, R161H, R121H, R123H, R144H, R97H, R99H.
Identifiers: ClinVar variation 2585460 (VCV002585460.1), dbSNP rs746438566, ClinGen allele CA1517074.